The following is an entry in ClinVar:

ClinVar aggregate classification (germline): Uncertain significance (1 of 4 stars; one submission).

Conditions:
Bardet-Biedl syndrome (BBS). Identifiers: Orphanet 110, MedGen C0752166, MONDO:0015229.

gnomAD v4.1: 6 of 1,601,524 alleles (0.00037%); highest among the groups gnomAD compares: Middle Eastern, 0.017%; no homozygotes.

Submission:

Labcorp Genetics (formerly Invitae), Labcorp
Classification: Uncertain significance for Bardet-Biedl syndrome. Last evaluated: 2024-10-15. Review status: criteria provided, single submitter. Criteria: Invitae Variant Classification Sherloc (09022015). Collection method: clinical testing. Allele origin: germline.
Comment: This sequence change falls in intron 16 of the BBS7 gene. It does not directly change the encoded amino acid sequence of the BBS7 protein. This variant is present in population databases (rs779593410, gnomAD 0.01%). This variant has not been reported in the literature in individuals affected with BBS7-related conditions. ClinVar contains an entry for this variant (Variation ID: 2145096). Algorithms developed to predict the effect of sequence changes on RNA splicing suggest that this variant may disrupt the consensus splice site. In summary, the available evidence is currently insufficient to determine the role of this variant in disease. Therefore, it has been classified as a Variant of Uncertain Significance.

NM_176824.3(BBS7):c.1787-11A>G

Gene: BBS7 (Bardet-Biedl syndrome 7; minus strand). Cytogenetic location: 4q27.
Variant type: single nucleotide variant.
Coding change: c.1787-11A>G on transcript NM_176824.3 (MANE Select); 11 bases into the intron before coding-DNA position 1787, A replaced by G.
Molecular consequence: intron variant.
Genome position (GRCh38, 1-based): chr4:121,828,516, T>C on the plus strand (A>G on the coding strand, the complement: BBS7 is on the minus strand). VCF-style: chr4-121828516-T-C. GRCh37 (hg19) VCF-style: chr4-122749671-T-C.
Other names: c.1787-11A>G (NM_018190.4).
Identifiers: ClinVar variation 2145096 (VCV002145096.3), dbSNP rs779593410, ClinGen allele CA3064129.
Genomic context (GRCh38, chr4:121,828,516, plus strand): 5'-CTTTGGGTGGATTAGCTTTAAAGTGTGTTTGACTGATACTTCATTTATCTCTAGAAGGAG[T>C]TGACCAGATGCAGTTAGATAAATCACTTTGATCAGAAACATTAATAATGTAACAACAACA-3'